The following is an entry in ClinVar:

NM_024757.5(EHMT1):c.2332C>T (p.His778Tyr)

Gene: EHMT1 (euchromatic histone lysine methyltransferase 1; plus strand). Cytogenetic location: 9q34.3.
Variant type: single nucleotide variant.
Coding change: c.2332C>T on transcript NM_024757.5 (MANE Select); coding-DNA position 2332, C replaced by T.
Protein change: p.His778Tyr; replaces histidine 778 with tyrosine.
Molecular consequence: missense variant.
Genome position (GRCh38, 1-based): chr9:137,782,347, C>T. VCF-style: chr9-137782347-C-T. GRCh37 (hg19) VCF-style: chr9-140676799-C-T.
Other names: c.2332C>T, p.His778Tyr (NM_001145527.2); c.2239C>T, p.His747Tyr (NM_001354259.2); c.2311C>T, p.His771Tyr (NM_001354263.2); short protein forms H747Y, H771Y, H778Y.
Identifiers: ClinVar variation 2580037 (VCV002580037.1), dbSNP rs2542533016, ClinGen allele CA375782900.

ClinVar aggregate classification (germline): Uncertain significance (1 of 4 stars; one submission).

Submission:

GeneDx
Classification: Uncertain significance. Last evaluated: 2023-03-14. Review status: criteria provided, single submitter. Criteria: GeneDx Variant Classification Process June 2021. Collection method: clinical testing. Allele origin: germline. Affected: yes.
Comment: Not observed at significant frequency in large population cohorts (gnomAD); In silico analysis supports that this missense variant has a deleterious effect on protein structure/function; Has not been previously published as pathogenic or benign to our knowledge